The following is an entry in ClinVar:

ClinVar aggregate classification (germline): Likely pathogenic (1 of 4 stars; one submission).

Conditions:
Autosomal recessive polycystic kidney disease (ARPKD). Also called: AR polycystic kidney disease. Identifiers: Orphanet 731, Orphanet 8378, MedGen C0085548, MeSH D017044, MONDO:0009889.

Submission:

Natera, Inc.
Classification: Likely pathogenic for Autosomal recessive polycystic kidney disease. Last evaluated: 2025-12-26. Review status: criteria provided, single submitter. Criteria: Natera Variant Classification Schema (03/2026). Collection method: clinical testing. Allele origin: germline.
Comment: The c.881-1G>C variant in PKHD1 is a canonical splice acceptor site variant predicted to affect pre-mRNA splicing, which may result in an abnormal transcript and altered protein product. This variant is expected to result in nonsense mediated decay, truncation, or a dysfunctional protein product. This variant is rare in the general population with a frequency below the threshold expected for the associated phenotype(s). Given the available evidence, this variant is classified as Likely Pathogenic.

NM_138694.4(PKHD1):c.881-1G>C

Gene: PKHD1 (PKHD1 ciliary IPT domain containing fibrocystin/polyductin; minus strand). Cytogenetic location: 6p12.2.
Variant type: single nucleotide variant.
Coding change: c.881-1G>C on transcript NM_138694.4 (MANE Select); the canonical splice acceptor site of the intron before coding-DNA position 881, G replaced by C.
Molecular consequence: splice acceptor variant.
Genome position (GRCh38, 1-based): chr6:52,065,051, C>G on the plus strand (G>C on the coding strand, the complement: PKHD1 is on the minus strand). VCF-style: chr6-52065051-C-G. GRCh37 (hg19) VCF-style: chr6-51929849-C-G.
Other names: c.881-1G>C (NM_170724.3).
Identifiers: ClinVar variation 4816783 (VCV004816783.1).
Genomic context (GRCh38, chr6:52,065,051, plus strand): 5'-GAGCCCGAGTGGTGCACTCAATCTTCCTGGGAGACACGTGTCTAATATCACATGGAATGC[C>G]TAAAGCGAATTAAAGAAATTTATGTATGTGTGTGTGTGTAGGTATACATATATATGTATA-3'